The following is an entry in ClinVar:

ClinVar aggregate classification (germline): Uncertain significance (1 of 4 stars; one submission).

Submission:

Labcorp Genetics (formerly Invitae), Labcorp
Classification: Uncertain significance. Last evaluated: 2025-01-30. Review status: criteria provided, single submitter. Criteria: Invitae Variant Classification Sherloc (09022015). Collection method: clinical testing. Allele origin: germline.
Comment: This sequence change replaces valine, which is neutral and non-polar, with leucine, which is neutral and non-polar, at codon 1414 of the KMT2A protein (p.Val1414Leu). This variant is not present in population databases (gnomAD no frequency). This variant has not been reported in the literature in individuals affected with KMT2A-related conditions. Invitae Evidence Modeling of protein sequence and biophysical properties (such as structural, functional, and spatial information, amino acid conservation, physicochemical variation, residue mobility, and thermodynamic stability) indicates that this missense variant is not expected to disrupt KMT2A protein function with a negative predictive value of 95%. In summary, the available evidence is currently insufficient to determine the role of this variant in disease. Therefore, it has been classified as a Variant of Uncertain Significance.

NM_001197104.2(KMT2A):c.4240G>T (p.Val1414Leu)

Gene: KMT2A (lysine methyltransferase 2A; plus strand). Cytogenetic location: 11q23.3.
Variant type: single nucleotide variant.
Coding change: c.4240G>T on transcript NM_001197104.2 (MANE Select); coding-DNA position 4240, G replaced by T.
Protein change: p.Val1414Leu; replaces valine 1414 with leucine.
Molecular consequence: missense variant.
Genome position (GRCh38, 1-based): chr11:118,484,883, G>T. VCF-style: chr11-118484883-G-T. GRCh37 (hg19) VCF-style: chr11-118355598-G-T.
Other names: c.4339G>T, p.Val1447Leu (NM_001412597.1); c.4240G>T, p.Val1414Leu (NM_005933.4); short protein forms V1447L, V1414L.
Identifiers: ClinVar variation 3634318 (VCV003634318.2).